The following is an entry in ClinVar:

NM_005876.5(SPEG):c.7565C>T (p.Ala2522Val)

Genes: ASIC4-AS1 (ASIC4 antisense RNA 1; minus strand), SPEG (striated muscle enriched protein kinase; plus strand). Cytogenetic location: 2q35.
Variant type: single nucleotide variant.
Coding change: c.7565C>T on transcript NM_005876.5 (MANE Select); coding-DNA position 7565, C replaced by T.
Protein change: p.Ala2522Val; replaces alanine 2522 with valine.
Molecular consequence: missense variant.
Genome position (GRCh38, 1-based): chr2:219,485,028, C>T. VCF-style: chr2-219485028-C-T. GRCh37 (hg19) VCF-style: chr2-220349750-C-T.
Other names: short protein forms A2522V.
Identifiers: ClinVar variation 1382205 (VCV001382205.5), dbSNP rs1388893792, ClinGen allele CA350703128.

ClinVar aggregate classification (germline): Uncertain significance (1 of 4 stars; one submission).

Allele frequency attached by ClinVar (database versions not stated): gnomAD exomes below 0.00001 and 0.00001.
gnomAD v4.1: 2 of 1,532,162 alleles (0.00013%); highest among the groups gnomAD compares: Non-Finnish European, 0.00017%; no homozygotes.

Submission:

Labcorp Genetics (formerly Invitae), Labcorp
Classification: Uncertain significance. Last evaluated: 2024-10-17. Review status: criteria provided, single submitter. Criteria: Invitae Variant Classification Sherloc (09022015). Collection method: clinical testing. Allele origin: germline.
Comment: This sequence change replaces alanine, which is neutral and non-polar, with valine, which is neutral and non-polar, at codon 2522 of the SPEG protein (p.Ala2522Val). The frequency data for this variant in the population databases is considered unreliable, as metrics indicate poor data quality at this position in the gnomAD database. This variant has not been reported in the literature in individuals affected with SPEG-related conditions. ClinVar contains an entry for this variant (Variation ID: 1382205). An algorithm developed to predict the effect of missense changes on protein structure and function (PolyPhen-2) suggests that this variant is likely to be tolerated. In summary, the available evidence is currently insufficient to determine the role of this variant in disease. Therefore, it has been classified as a Variant of Uncertain Significance.